The following is an entry in ClinVar:

ClinVar aggregate classification (germline): Uncertain significance (1 of 4 stars; one submission).

Allele frequency attached by ClinVar (database versions not stated): gnomAD exomes below 0.00001; TOPMed below 0.00001; gnomAD 0.00001.
gnomAD v4.1: 3 of 1,613,986 alleles (0.00019%); highest among the groups gnomAD compares: Non-Finnish European, 0.00017%; no homozygotes.

Submission:

Ambry Genetics
Classification: Uncertain significance. Last evaluated: 2025-02-01. Review status: criteria provided, single submitter. Criteria: Ambry Variant Classification Scheme 2023. Collection method: clinical testing. Allele origin: germline.
Comment: The p.E775K variant (also known as c.2323G>A), located in coding exon 13 of the PKP4 gene, results from a G to A substitution at nucleotide position 2323. The glutamic acid at codon 775 is replaced by lysine, an amino acid with similar properties. This amino acid position is conserved. In addition, the in silico prediction for this alteration is inconclusive. Since supporting evidence is limited at this time, the clinical significance of this alteration remains unclear.

NM_003628.6(PKP4):c.2323G>A (p.Glu775Lys)

Genes: PKP4 (plakophilin 4; plus strand), PKP4-AS1 (PKP4 antisense RNA 1; minus strand). Cytogenetic location: 2q24.1.
Variant type: single nucleotide variant.
Coding change: c.2323G>A on transcript NM_003628.6 (MANE Select); coding-DNA position 2323, G replaced by A.
Protein change: p.Glu775Lys; replaces glutamic acid 775 with lysine.
Molecular consequence: missense variant.
Genome position (GRCh38, 1-based): chr2:158,663,008, G>A. VCF-style: chr2-158663008-G-A. GRCh37 (hg19) VCF-style: chr2-159519520-G-A.
Other names: c.2317G>A, p.Glu773Lys (NM_001377223.1, NM_001377222.1); c.2314G>A, p.Glu772Lys (NM_001377224.1); c.2323G>A, p.Glu775Lys (NM_001377225.1, NM_001005476.4, NM_001304971.2 and 1 more transcripts); c.2320G>A, p.Glu774Lys (NM_001377226.1, NM_001304969.3, NM_001377219.1 and 2 more transcripts); c.1294G>A, p.Glu432Lys (NM_001304970.3); short protein forms E774K, E772K, E432K, E773K, E775K.
Identifiers: ClinVar variation 1789609 (VCV001789609.3), dbSNP rs2056749402, ClinGen allele CA348902799.